The following is an entry in ClinVar:

NM_022489.4(INF2):c.844-252T>C

Gene: INF2 (inverted formin 2; plus strand). Cytogenetic location: 14q32.33.
Variant type: single nucleotide variant.
Coding change: c.844-252T>C on transcript NM_022489.4 (MANE Select); 252 bases into the intron before coding-DNA position 844, T replaced by C.
Molecular consequence: intron variant.
Genome position (GRCh38, 1-based): chr14:104,706,658, T>C. VCF-style: chr14-104706658-T-C. GRCh37 (hg19) VCF-style: chr14-105172995-T-C.
Other names: c.844-252T>C (NM_001031714.4).
Identifiers: ClinVar variation 672634 (VCV000672634.2), dbSNP rs112186582, ClinGen allele CA267322191.

ClinVar aggregate classification (germline): Likely benign. Review status: criteria provided, multiple submitters, no conflicts (2 of 4 stars). 2 submissions from 2 submitters: Likely benign (2). Last evaluated 2018-06-14.

Allele frequency attached by ClinVar (database versions not stated): gnomAD 0.01111 and 0.01190; TOPMed 0.01263; 1000 Genomes Project 0.01478; 1000 Genomes Project 30x 0.01515.
gnomAD v4.1: 1,672 of 152,252 alleles (1.1%); highest among the groups gnomAD compares: African/African-American, 3.8%; 40 homozygotes.

Submissions (2):

GeneDx
Classification: Likely benign. Last evaluated: 2018-06-14. Review status: criteria provided, single submitter. Criteria: GeneDx Variant Classification (06012015). Collection method: clinical testing. Allele origin: germline. Affected: yes.
Comment: This variant is considered likely benign or benign based on one or more of the following criteria: it is a conservative change, it occurs at a poorly conserved position in the protein, it is predicted to be benign by multiple in silico algorithms, and/or has population frequency not consistent with disease.

Breakthrough Genomics
Classification: Likely benign. Review status: criteria provided, single submitter. Criteria: ACMG Guidelines, 2015. Collection method: not provided. Allele origin: germline. Inheritance: Autosomal dominant inheritance. Affected: yes.